The following is an entry in ClinVar:

ClinVar aggregate classification (germline): Conflicting classifications of pathogenicity. Review status: criteria provided, conflicting classifications (1 of 4 stars). 3 submissions from 3 submitters: Uncertain significance (2); Likely benign (1). Last evaluated 2026-03-01.

Conditions:
Inborn genetic diseases. Identifiers: MedGen C0950123, MeSH D030342.

Allele frequency attached by ClinVar (database versions not stated): gnomAD exomes 0.00020; TOPMed 0.00006; ExAC 0.00007; gnomAD 0.00009.
gnomAD v4.1: 294 of 1,613,886 alleles (0.018%); highest among the groups gnomAD compares: Non-Finnish European, 0.024%; 1 homozygote.

Submissions (3):

CeGaT Center for Human Genetics Tuebingen
Classification: Likely benign. Last evaluated: 2026-03-01. Review status: criteria provided, single submitter. Criteria: CeGaT Center For Human Genetics Tuebingen Variant Classification Criteria Version 2. Collection method: clinical testing. Allele origin: germline. Affected: yes. Observed: 1 variant allele.
Comment: MGME1: BP4

Ambry Genetics
Classification: Uncertain significance for Inborn genetic diseases. Last evaluated: 2025-01-30. Review status: criteria provided, single submitter. Criteria: Ambry Variant Classification Scheme 2023. Collection method: clinical testing. Allele origin: germline.

Labcorp Genetics (formerly Invitae), Labcorp
Classification: Uncertain significance. Last evaluated: 2022-08-21. Review status: criteria provided, single submitter. Criteria: Invitae Variant Classification Sherloc (09022015). Collection method: clinical testing. Allele origin: germline.
Comment: This sequence change replaces threonine, which is neutral and polar, with isoleucine, which is neutral and non-polar, at codon 319 of the MGME1 protein (p.Thr319Ile). This variant is present in population databases (rs773391446, gnomAD 0.01%). This variant has not been reported in the literature in individuals affected with MGME1-related conditions. Algorithms developed to predict the effect of missense changes on protein structure and function (SIFT, PolyPhen-2, Align-GVGD) all suggest that this variant is likely to be tolerated. In summary, the available evidence is currently insufficient to determine the role of this variant in disease. Therefore, it has been classified as a Variant of Uncertain Significance.

NM_052865.4(MGME1):c.956C>T (p.Thr319Ile)

Gene: MGME1 (mitochondrial genome maintenance exonuclease 1; plus strand). Cytogenetic location: 20p11.23.
Variant type: single nucleotide variant.
Coding change: c.956C>T on transcript NM_052865.4 (MANE Select); coding-DNA position 956, C replaced by T.
Protein change: p.Thr319Ile; replaces threonine 319 with isoleucine.
Molecular consequence: missense variant. On other transcripts: synonymous variant (1).
Genome position (GRCh38, 1-based): chr20:17,990,030, C>T. VCF-style: chr20-17990030-C-T. GRCh37 (hg19) VCF-style: chr20-17970673-C-T.
Other names: c.956C>T (NM_052865.2); c.1001C>T, p.Thr334Ile (NM_001310338.2); c.603C>T, p.Asp201= (NM_001310339.2); c.716C>T, p.Thr239Ile (NM_001363738.2); short protein forms T239I, T334I, T319I.
Identifiers: ClinVar variation 2177017 (VCV002177017.6), dbSNP rs773391446, ClinGen allele CA9775081.